The following is an entry in ClinVar:

NM_005732.4(RAD50):c.434G>C (p.Gly145Ala)

Gene: RAD50 (RAD50 double strand break repair protein; plus strand). Cytogenetic location: 5q31.1.
Variant type: single nucleotide variant.
Coding change: c.434G>C on transcript NM_005732.4 (MANE Select); coding-DNA position 434, G replaced by C.
Protein change: p.Gly145Ala; replaces glycine 145 with alanine.
Molecular consequence: missense variant.
Genome position (GRCh38, 1-based): chr5:132,579,385, G>C. VCF-style: chr5-132579385-G-C. GRCh37 (hg19) VCF-style: chr5-131915077-G-C.
Other names: short protein forms G145A.
Identifiers: ClinVar variation 480408 (VCV000480408.12), dbSNP rs977002306, ClinGen allele CA127237330.
Genomic context (GRCh38, chr5:132,579,385, plus strand): 5'-AAAAGGTCAGTCTGAGCTCTAAGTGTGCAGAAATTGACCGAGAAATGATCAGTTCTCTTG[G>C]GGTTTCCAAGGCTGTGCTAAATAATGTCATTTTCTGTCATCAAGAAGATTCTAATTGGCC-3'
Protein context (NP_005723.2, residues 135-155): EIDREMISSL[Gly145Ala]VSKAVLNNVI

ClinVar aggregate classification (germline): Uncertain significance. Review status: criteria provided, multiple submitters, no conflicts (2 of 4 stars). 2 submissions from 2 submitters: Uncertain significance (2). Last evaluated 2024-11-03.

Conditions:
Hereditary cancer-predisposing syndrome. Also called: Hereditary Cancer Syndrome; Neoplastic Syndromes, Hereditary; Tumor predisposition; Hereditary neoplastic syndrome. Identifiers: Orphanet 140162, MedGen C0027672, MeSH D009386, MONDO:0015356.

Allele frequency attached by ClinVar (database versions not stated): gnomAD exomes below 0.00001; gnomAD 0.00001; TOPMed 0.00001.
gnomAD v4.1: 1 of 1,613,714 alleles (0.000062%); highest among the groups gnomAD compares: Non-Finnish European, 0.000085%; no homozygotes.

Submissions (2):

Ambry Genetics
Classification: Uncertain significance for Hereditary cancer-predisposing syndrome. Last evaluated: 2024-11-03. Review status: criteria provided, single submitter. Criteria: Ambry Variant Classification Scheme 2023. Collection method: clinical testing. Allele origin: germline.
Comment: The p.G145A variant (also known as c.434G>C), located in coding exon 4 of the RAD50 gene, results from a G to C substitution at nucleotide position 434. The glycine at codon 145 is replaced by alanine, an amino acid with similar properties. This variant was not reported in population based cohorts in the following databases: Database of Single Nucleotide Polymorphisms (dbSNP), NHLBI Exome Sequencing Project (ESP), and 1000 Genomes Project. In the ESP, this variant was not observed in 6503 samples (13006 alleles) with coverage at this position. To date, this alteration has been detected with an allele frequency of approximately 0.001% (greater than 120000 alleles tested) in our clinical cohort. This amino acid position is highly conserved in available vertebrate species. In addition, this alteration is predicted to be deleterious by in silico analysis. Since supporting evidence is limited at this time, the clinical significance of this alteration remains unclear.

Labcorp Genetics (formerly Invitae), Labcorp
Classification: Uncertain significance for Hereditary cancer-predisposing syndrome. Last evaluated: 2023-09-10. Review status: criteria provided, single submitter. Criteria: Invitae Variant Classification Sherloc (09022015). Collection method: clinical testing. Allele origin: germline.
Comment: This sequence change replaces glycine, which is neutral and non-polar, with alanine, which is neutral and non-polar, at codon 145 of the RAD50 protein (p.Gly145Ala). This variant is present in population databases (no rsID available, gnomAD 0.0009%). This variant has not been reported in the literature in individuals affected with RAD50-related conditions. ClinVar contains an entry for this variant (Variation ID: 480408). Advanced modeling of protein sequence and biophysical properties (such as structural, functional, and spatial information, amino acid conservation, physicochemical variation, residue mobility, and thermodynamic stability) performed at Invitae indicates that this missense variant is expected to disrupt RAD50 protein function. In summary, the available evidence is currently insufficient to determine the role of this variant in disease. Therefore, it has been classified as a Variant of Uncertain Significance.